The following is an entry in ClinVar:

NM_000216.4(ANOS1):c.77G>A (p.Gly26Asp)

Gene: ANOS1 (anosmin 1; minus strand). Cytogenetic location: Xp22.31.
Variant type: single nucleotide variant.
Coding change: c.77G>A on transcript NM_000216.4 (MANE Select); coding-DNA position 77, G replaced by A.
Protein change: p.Gly26Asp; replaces glycine 26 with aspartic acid.
Molecular consequence: missense variant.
Genome position (GRCh38, 1-based): chrX:8,731,960, C>T on the plus strand (G>A on the coding strand, the complement: ANOS1 is on the minus strand). VCF-style: chrX-8731960-C-T. GRCh37 (hg19) VCF-style: chrX-8700001-C-T.
Other names: short protein forms G26D.
Identifiers: ClinVar variation 2429405 (VCV002429405.3), dbSNP rs1347238083, ClinGen allele CA412024575.

ClinVar aggregate classification (germline): Uncertain significance (1 of 4 stars; one submission).

Allele frequency attached by ClinVar (database versions not stated): gnomAD exomes below 0.00001; gnomAD 0.00001; TOPMed 0.00002.
gnomAD v4.1: 2 of 1,111,934 alleles (0.00018%); highest among the groups gnomAD compares: Admixed American, 0.0033%; no homozygotes.

Submission:

Illumina Laboratory Services, Illumina
Classification: Uncertain significance. Last evaluated: 2022-09-29. Review status: criteria provided, single submitter. Criteria: ICSL CNVClassificationCriteria Aug2020. Collection method: clinical testing. Allele origin: unknown. Affected: yes.
Comment: The ANOS1 c.77G>A (p.Gly26Asp) missense variant results in the substitution of glycine at amino acid position 26 with aspartic acid. To our knowledge, this variant has not been reported in the peer-reviewed literature. This variant is reported in the Genome Aggregation Database in a heterozygous state in one female at a frequency of 0.000009 in the total population (version 3.1.2). Based on the available evidence, the c.77G>A (p.Gly26Asp) variant is classified as a variant of uncertain significance for hypogonadotropic hypogonadism 1 with or without anosmia.